The following is an entry in ClinVar:

ClinVar aggregate classification (germline): Uncertain significance (1 of 4 stars; one submission).

Conditions:
Cardiovascular phenotype. Identifiers: MedGen CN230736.

Submission:

Ambry Genetics
Classification: Uncertain significance for Cardiovascular phenotype. Last evaluated: 2026-03-07. Review status: criteria provided, single submitter. Criteria: Ambry Variant Classification Scheme 2023. Collection method: clinical testing. Allele origin: germline.
Comment: The p.M3691I variant (also known as c.11073G>A), located in coding exon 2 of the ZNF469 gene, results from a G to A substitution at nucleotide position 11073. The methionine at codon 3691 is replaced by isoleucine, an amino acid with highly similar properties. This amino acid position is conserved. In addition, this alteration is predicted to be tolerated by in silico analysis. Based on the available evidence, the clinical significance of this variant remains unclear.

NM_001127464.1:c.11073G>A

Gene: ZNF469 (zinc finger protein 469; plus strand).
Variant type: single nucleotide variant.
Identifiers: ClinVar variation 4826323 (VCV004826323.1).